The following is an entry in ClinVar:

ClinVar aggregate classification (germline): Likely benign (1 of 4 stars; one submission).

Submission:

CeGaT Center for Human Genetics Tuebingen
Classification: Likely benign. Last evaluated: 2026-03-01. Review status: criteria provided, single submitter. Criteria: CeGaT Center For Human Genetics Tuebingen Variant Classification Criteria Version 2. Collection method: clinical testing. Allele origin: germline. Affected: yes. Observed: 1 variant allele.
Comment: RYR2: PM2:Supporting, BP4, BP7

NM_001035.3(RYR2):c.3465T>C (p.Ser1155=)

Gene: RYR2 (ryanodine receptor 2; plus strand). Cytogenetic location: 1q43.
Variant type: single nucleotide variant.
Coding change: c.3465T>C on transcript NM_001035.3 (MANE Select); coding-DNA position 3465, T replaced by C.
Protein change: p.Ser1155=; no amino-acid change (serine 1155 retained).
Molecular consequence: synonymous variant.
Genome position (GRCh38, 1-based): chr1:237,569,186, T>C. VCF-style: chr1-237569186-T-C. GRCh37 (hg19) VCF-style: chr1-237732486-T-C.
Identifiers: ClinVar variation 4823605 (VCV004823605.4).
Genomic context (GRCh38, chr1:237,569,186, plus strand): 5'-TTTTCTGTCCTCTGTATAGGCCCAGCGGTGGCATCAGGGCAATGAACACTATGGGCGCTC[T>C]TGGCAAGCAGGCGATGTCGTGGGGTGTATGGTTGACATGAACGAACACACCATGATGTTC-3'
Protein context (NP_001026.2, residues 1145-1165): WHQGNEHYGR[Ser1155=]WQAGDVVGCM